The following is an entry in ClinVar:

NM_004304.5(ALK):c.618G>T (p.Ala206=)

Gene: ALK (ALK receptor tyrosine kinase; minus strand). Cytogenetic location: 2p23.1.
Variant type: single nucleotide variant.
Coding change: c.618G>T on transcript NM_004304.5 (MANE Select); coding-DNA position 618, G replaced by T.
Protein change: p.Ala206=; no amino-acid change (alanine 206 retained).
Molecular consequence: synonymous variant.
Genome position (GRCh38, 1-based): chr2:29,920,042, C>A on the plus strand (G>T on the coding strand, the complement: ALK is on the minus strand). VCF-style: chr2-29920042-C-A. GRCh37 (hg19) VCF-style: chr2-30142908-C-A.
Other names: c.618G>T (NM_004304.4).
Identifiers: ClinVar variation 4084695 (VCV004084695.9).

ClinVar aggregate classification (germline): Likely benign. Review status: criteria provided, multiple submitters, no conflicts (2 of 4 stars). 2 submissions from 2 submitters: Likely benign (2). Last evaluated 2025-08-19.

Conditions:
Hereditary cancer-predisposing syndrome. Also called: Neoplastic Syndromes, Hereditary; Tumor predisposition; Hereditary Cancer Syndrome; Hereditary neoplastic syndrome. Identifiers: Orphanet 140162, MedGen C0027672, MeSH D009386, MONDO:0015356.

gnomAD v4.1: 1 of 1,614,162 alleles (0.000062%); highest among the groups gnomAD compares: South Asian, 0.0011%; no homozygotes.

Submissions (2):

Ambry Genetics
Classification: Likely benign for Hereditary cancer-predisposing syndrome. Last evaluated: 2025-08-19. Review status: criteria provided, single submitter. Criteria: Ambry Variant Classification Scheme 2023. Collection method: clinical testing. Allele origin: germline.

CeGaT Center for Human Genetics Tuebingen
Classification: Likely benign. Last evaluated: 2025-08-01. Review status: criteria provided, single submitter. Criteria: CeGaT Center For Human Genetics Tuebingen Variant Classification Criteria Version 2. Collection method: clinical testing. Allele origin: germline. Affected: yes. Observed: 1 variant allele.
Comment: ALK: BP4, BP7